The following is an entry in ClinVar:

NM_006279.5(ST3GAL3):c.1007A>G (p.Tyr336Cys)

Gene: ST3GAL3 (ST3 beta-galactoside alpha-2,3-sialyltransferase 3; plus strand). Cytogenetic location: 1p34.1.
Variant type: single nucleotide variant.
Coding change: c.1007A>G on transcript NM_006279.5 (MANE Select); coding-DNA position 1007, A replaced by G.
Protein change: p.Tyr336Cys; replaces tyrosine 336 with cysteine.
Molecular consequence: missense variant. On other transcripts: non-coding transcript variant (6), intron variant (11).
Genome position (GRCh38, 1-based): chr1:43,920,897, A>G. VCF-style: chr1-43920897-A-G. GRCh37 (hg19) VCF-style: chr1-44386569-A-G.
Other names: c.917A>G, p.Tyr306Cys (NM_001270459.2); c.914A>G, p.Tyr305Cys (NM_001270460.2); c.1052A>G, p.Tyr351Cys (NM_001350619.2, NM_174964.4); c.1007A>G, p.Tyr336Cys (NM_001350620.2); c.728A>G, p.Tyr243Cys (NM_001350621.2); c.1214A>G, p.Tyr405Cys (NM_174963.5); c.1169A>G, p.Tyr390Cys (NM_174968.5); c.959A>G, p.Tyr320Cys (NM_174969.4); and 12 more; short protein forms Y243C, Y305C, Y336C, Y306C, Y390C, Y405C, Y374C, Y320C.
Identifiers: ClinVar variation 1508076 (VCV001508076.7), dbSNP rs1408543954, ClinGen allele CA340033082.
Genomic context (GRCh38, chr1:43,920,897, plus strand): 5'-AGGTGGCAGTCGCAGGATTTGGCTATGACATGAGCACACCCAACGCACCCCTGCACTACT[A>G]TGAGACCGTTCGCATGGCAGCCATCAAAGAGGTTCGGGGCTGGGTATGGGGGCAATCCCT-3'
Protein context (NP_006270.1, residues 326-346): MSTPNAPLHY[Tyr336Cys]ETVRMAAIKE

ClinVar aggregate classification (germline): Uncertain significance (1 of 4 stars; one submission).

Conditions:
Early-infantile DEE. Also called: Early infantile epileptic encephalopathy; Ohtahara syndrome; Early infantile epileptic encephalopathy with suppression bursts. Identifiers: Orphanet 1934, MedGen C0393706, MONDO:0800491.

Allele frequency attached by ClinVar (database versions not stated): gnomAD exomes below 0.00001; TOPMed below 0.00001.
gnomAD v4.1: 2 of 1,613,892 alleles (0.00012%); highest among the groups gnomAD compares: Non-Finnish European, 0.00017%; no homozygotes.

Submission:

Labcorp Genetics (formerly Invitae), Labcorp
Classification: Uncertain significance for Early-infantile DEE. Last evaluated: 2021-08-16. Review status: criteria provided, single submitter. Criteria: Invitae Variant Classification Sherloc (09022015). Collection method: clinical testing. Allele origin: germline.
Comment: This sequence change replaces tyrosine with cysteine at codon 336 of the ST3GAL3 protein (p.Tyr336Cys). The tyrosine residue is moderately conserved and there is a large physicochemical difference between tyrosine and cysteine. This variant is not present in population databases (ExAC no frequency). This variant has not been reported in the literature in individuals affected with ST3GAL3-related conditions. Algorithms developed to predict the effect of missense changes on protein structure and function are either unavailable or do not agree on the potential impact of this missense change (SIFT: "Tolerated"; PolyPhen-2: "Probably Damaging"; Align-GVGD: "Class C0"). Algorithms developed to predict the effect of sequence changes on RNA splicing suggest that this variant may create or strengthen a splice site. In summary, the available evidence is currently insufficient to determine the role of this variant in disease. Therefore, it has been classified as a Variant of Uncertain Significance.